The following is an entry in ClinVar:

NM_001379500.1(COL18A1):c.3764G>A (p.Arg1255His)

Genes: COL18A1 (collagen type XVIII alpha 1 chain; plus strand), SLC19A1 (solute carrier family 19 member 1; minus strand). Cytogenetic location: 21q22.3.
Variant type: single nucleotide variant.
Coding change: c.3764G>A on transcript NM_001379500.1 (MANE Select); coding-DNA position 3764, G replaced by A.
Protein change: p.Arg1255His; replaces arginine 1255 with histidine.
Molecular consequence: missense variant.
Genome position (GRCh38, 1-based): chr21:45,511,181, G>A. VCF-style: chr21-45511181-G-A. GRCh37 (hg19) VCF-style: chr21-46931095-G-A.
Other names: c.4295G>A, p.Arg1432His (NM_030582.4); c.5000G>A, p.Arg1667His (NM_130444.3); short protein forms R1432H, R1667H, R1255H.
Identifiers: ClinVar variation 1429717 (VCV001429717.4), dbSNP rs757116735, ClinGen allele CA10068068.
Genomic context (GRCh38, chr21:45,511,181, plus strand): 5'-TGTTTCCCAGCTGGGAGGCTCTGTTCTCAGGCTCTGAGGGTCCGCTGAAGCCCGGGGCAC[G>A]CATCTTCTCCTTTGACGGCAAGGACGTCCTGAGGCACCCCACCTGGTAGGTTCCCAGTGC-3'
Protein context (NP_001366429.1, residues 1245-1265): GSEGPLKPGA[Arg1255His]IFSFDGKDVL

ClinVar aggregate classification (germline): Uncertain significance (1 of 4 stars; one submission).

Allele frequency attached by ClinVar (database versions not stated): ExAC 0.00004.
gnomAD v4.1: 13 of 1,600,016 alleles (0.00081%); highest among the groups gnomAD compares: South Asian, 0.0023%; no homozygotes.

Submission:

Labcorp Genetics (formerly Invitae), Labcorp
Classification: Uncertain significance. Last evaluated: 2024-09-29. Review status: criteria provided, single submitter. Criteria: Invitae Variant Classification Sherloc (09022015). Collection method: clinical testing. Allele origin: germline.
Comment: This sequence change replaces arginine, which is basic and polar, with histidine, which is basic and polar, at codon 1252 of the COL18A1 protein (p.Arg1252His). The frequency data for this variant in the population databases is considered unreliable, as metrics indicate poor data quality at this position in the gnomAD database. This variant has not been reported in the literature in individuals affected with COL18A1-related conditions. ClinVar contains an entry for this variant (Variation ID: 1429717). Experimental studies and prediction algorithms are not available or were not evaluated, and the functional significance of this variant is currently unknown. In summary, the available evidence is currently insufficient to determine the role of this variant in disease. Therefore, it has been classified as a Variant of Uncertain Significance.